The following is an entry in ClinVar:

ClinVar aggregate classification (germline): Uncertain significance. Review status: criteria provided, multiple submitters, no conflicts (2 of 4 stars). 4 submissions from 4 submitters: Uncertain significance (3). 1 of the submissions does not count toward it. Last evaluated 2025-06-30.

Conditions:
Hereditary spherocytosis type 4. Also called: SLC4A1-Related Spherocytosis. Identifiers: Orphanet 822, MedGen C2675212, MONDO:0012981, OMIM 612653.
Cryohydrocytosis. Also called: CRYOHYDROCYTOSIS DUE TO BAND 3 HEMEL; CRYOHYDROCYTOSIS DUE TO BAND 3 HURSTPIERPOINT; CRYOHYDROCYTOSIS DUE TO BAND 3 BLACKBURN; STOMATOCYTOSIS, COLD-SENSITIVE; Hereditary cryohydrocytosis with normal stomatin. Identifiers: Orphanet 398088, MedGen C1861453, MONDO:0008494, OMIM 185020.
Autosomal dominant distal renal tubular acidosis (DRTA1). Also called: RENAL TUBULAR ACIDOSIS, DISTAL, 1; RTA, CLASSIC TYPE; RTA, DISTAL TYPE, AUTOSOMAL DOMINANT; RTA, GRADIENT TYPE; Renal Tubular Acidosis, Type I. Identifiers: Orphanet 93608, MedGen CN280572, MONDO:0008368, OMIM 179800.
Renal tubular acidosis, distal, 4, with hemolytic anemia. Also called: Renal Tubular Acidosis, Distal, with Hemolytic Anemia. Identifiers: Orphanet 93610, MedGen C5436235, MONDO:0012700, OMIM 611590.
BLOOD GROUP--SWANN SYSTEM (SW). Also called: SWANN BLOOD GROUP. Identifiers: MedGen C1832169, OMIM 601550.
BLOOD GROUP, WALDNER (WD). Also called: WALDNER BLOOD GROUP ANTIGEN. Identifiers: MedGen C1862191, OMIM 112010.
BLOOD GROUP--FROESE (FR). Also called: FROESE BLOOD GROUP ANTIGEN. Identifiers: MedGen C1832168, OMIM 601551.
Southeast Asian ovalocytosis. Also called: HE, STOMATOCYTIC; Stomatocytic elliptocytosis, hereditary; Ovalocytosis, Malaysian-Melanesian-Filipino type; Elliptocytosis 4. Identifiers: Orphanet 98868, MedGen C1862322, MONDO:0008165, OMIM 166900.
Malaria, susceptibility to. Identifiers: Orphanet 673, MedGen C1970028, MONDO:0021024, OMIM 611162.
BLOOD GROUP--WRIGHT ANTIGEN (WR). Identifiers: MedGen C1862190, OMIM 112050.
BLOOD GROUP--DIEGO SYSTEM (DI). Identifiers: MedGen C1292286, OMIM 110500.
Bronchiectasis with or without elevated sweat chloride 3 (BESC3). Identifiers: Orphanet 60033, MedGen C2751324, MONDO:0013112, OMIM 613071.

Allele frequency attached by ClinVar (database versions not stated): gnomAD 0.00001 and 0.00003; ExAC 0.00002; 1000 Genomes Project 30x 0.00016; TOPMed 0.00002; 1000 Genomes Project 0.00020.
gnomAD v4.1: 10 of 1,614,080 alleles (0.00062%); highest among the groups gnomAD compares: South Asian, 0.0044%; no homozygotes.

Submissions (4):

Johns Hopkins Genomics, Johns Hopkins University
Classification: Uncertain significance for Bronchiectasis with or without elevated sweat chloride 3. Last evaluated: 2025-06-30. Review status: criteria provided, single submitter. Criteria: ACMG Guidelines, 2015. Collection method: clinical testing. Allele origin: germline.
Comment: This SLC4A1 variant (rs121912743) is rare (<0.1%) in a large population dataset (gnomADv2.1.1: 2/251488 total alleles, MAF 0.0008%, no homozygotes) and has been reported in ClinVar. Two bioinformatic tools queried predict that this substitution would be tolerated, and the valine residue at this position is moderately conserved across the vertebrate species assessed. Bioinformatic analysis predicts that this missense variant would not affect normal exon 14 splicing, although this has not been confirmed experimentally to our knowledge. The low-incidence blood group antigen Wd(a) is associated with a Val557Met substitution in erythrocyte band-3, but antibodies to Wd(a) have not been implicated in either hemolytic transfusion reactions (HTR) or hemolytic disease of the fetus and newborn (HDFN). We consider the clinical significance of c.1669G>A to be uncertain at this time.

Fulgent Genetics
Classification: Uncertain significance for BLOOD GROUP--DIEGO SYSTEM; BLOOD GROUP, WALDNER; BLOOD GROUP--WRIGHT ANTIGEN; Southeast Asian ovalocytosis; Autosomal dominant distal renal tubular acidosis; Cryohydrocytosis; BLOOD GROUP--SWANN SYSTEM; BLOOD GROUP--FROESE; Malaria, susceptibility to; Renal tubular acidosis, distal, 4, with hemolytic anemia; Hereditary spherocytosis type 4. Last evaluated: 2024-01-30. Review status: criteria provided, single submitter. Criteria: ACMG Guidelines, 2015. Collection method: clinical testing. Allele origin: germline.

Revvity Omics, Revvity
Classification: Uncertain significance. Last evaluated: 2023-12-08. Review status: criteria provided, single submitter. Criteria: ACMG Guidelines, 2015. Collection method: clinical testing. Allele origin: germline.

OMIM
Classification: Affects for WALDNER BLOOD GROUP ANTIGEN. Last evaluated: 1996-01-01. Review status: no assertion criteria provided. Collection method: literature only. Allele origin: germline. Not counted in ClinVar's aggregate classification.

Literature cited by the submitters: PubMed 24094240 (cited by Johns Hopkins Genomics, Johns Hopkins University); PubMed 8873423 (cited by Johns Hopkins Genomics, Johns Hopkins University and OMIM); PubMed 9191821 (cited by Johns Hopkins Genomics, Johns Hopkins University).

NM_000342.4(SLC4A1):c.1669G>A (p.Val557Met)

Gene: SLC4A1 (solute carrier family 4 member 1 (Diego blood group); minus strand). Cytogenetic location: 17q21.31.
Variant type: single nucleotide variant.
Coding change: c.1669G>A on transcript NM_000342.4 (MANE Select); coding-DNA position 1669, G replaced by A.
Protein change: p.Val557Met; replaces valine 557 with methionine.
Molecular consequence: missense variant.
Genome position (GRCh38, 1-based): chr17:44,255,804, C>T on the plus strand (G>A on the coding strand, the complement: SLC4A1 is on the minus strand). VCF-style: chr17-44255804-C-T. GRCh37 (hg19) VCF-style: chr17-42333172-C-T.
Other names: short protein forms V557M.
Identifiers: ClinVar variation 17757 (VCV000017757.4), dbSNP rs121912743, ClinGen allele CA127377.
Genomic context (GRCh38, chr17:44,255,804, plus strand): 5'-GCACAAGGGAGAGGAGGGCTGTGTTGGGCAGGGGGCCCTGAGGTTTGGGCACCATCAACA[C>T]GTTGTAGTTATAAGTCTTCTGTAGTGGGTGGTCCTGGAAGATCTGCAGCAGAAAACCAAG-3'
Protein context (NP_000333.1, residues 547-567): HPLQKTYNYN[Val557Met]LMVPKPQGPL